The following is an entry in ClinVar:

ClinVar aggregate classification (germline): Benign/Likely benign. Review status: criteria provided, multiple submitters, no conflicts (2 of 4 stars). 3 submissions from 3 submitters: Benign (1); Likely benign (2). Last evaluated 2024-04-29.

Conditions:
Hereditary cancer-predisposing syndrome. Also called: Hereditary Cancer Syndrome; Hereditary neoplastic syndrome; Neoplastic Syndromes, Hereditary; Tumor predisposition. Identifiers: Orphanet 140162, MedGen C0027672, MeSH D009386, MONDO:0015356.
Familial cancer of breast. Also called: hereditary breast carcinoma; BREAST CANCER, FAMILIAL; Hereditary breast cancer. Identifiers: Orphanet 227535, MedGen C0346153, MONDO:0016419, OMIM 114480. Disease mechanism: loss of function.
Ataxia-telangiectasia syndrome (AT). Also called: Ataxia-telangiectasia, complementation group E; LOUIS-BAR SYNDROME; Cerebello-oculocutaneous telangiectasia; Immunodeficiency with ataxia telangiectasia; Ataxia-telangiectasia, complementation group D; AT, COMPLEMENTATION GROUP C. Identifiers: Orphanet 100, MedGen C0004135, MONDO:0008840, OMIM 208900.

Submissions (3):

Myriad Genetics, Inc.
Classification: Benign for Familial cancer of breast. Last evaluated: 2024-04-29. Review status: criteria provided, single submitter. Criteria: Myriad Autosomal Dominant, Autosomal Recessive and X-Linked Classification Criteria (2023). Collection method: clinical testing. Allele origin: unknown.
Comment: This variant is considered benign. This variant is a silent/synonymous amino acid change and it is not expected to impact splicing.

Labcorp Genetics (formerly Invitae), Labcorp
Classification: Likely benign for Ataxia-telangiectasia syndrome. Last evaluated: 2021-08-10. Review status: criteria provided, single submitter. Criteria: Invitae Variant Classification Sherloc (09022015). Collection method: clinical testing. Allele origin: germline.

Color Diagnostics, LLC DBA Color Health
Classification: Likely benign for Hereditary cancer-predisposing syndrome. Last evaluated: 2019-06-24. Review status: criteria provided, single submitter. Criteria: ACMG Guidelines, 2015. Collection method: clinical testing. Allele origin: germline.

NM_000051.4(ATM):c.1491T>C (p.Ser497=)

Gene: ATM (ATM serine/threonine kinase; plus strand). Cytogenetic location: 11q22.3.
Variant type: single nucleotide variant.
Coding change: c.1491T>C on transcript NM_000051.4 (MANE Select); coding-DNA position 1491, T replaced by C.
Protein change: p.Ser497=; no amino-acid change (serine 497 retained).
Molecular consequence: synonymous variant.
Genome position (GRCh38, 1-based): chr11:108,250,956, T>C. VCF-style: chr11-108250956-T-C. GRCh37 (hg19) VCF-style: chr11-108121683-T-C.
Other names: c.1491T>C, p.Ser497= (NM_001351834.2).
Identifiers: ClinVar variation 921495 (VCV000921495.11), dbSNP rs1555071057, ClinGen allele CA476744860.